The following is an entry in ClinVar:

NM_033305.3(VPS13A):c.9189+2545TGA[10]

Gene: VPS13A (vacuolar protein sorting 13 homolog A; plus strand). Cytogenetic location: 9q21.2.
Variant type: Microsatellite.
Coding change: c.9189+2545TGA[10] on transcript NM_033305.3 (MANE Select); ten copies in a row of the 3-base unit TGA starting at c.9189+2545; the reference has 11 copies in a row; one copy, 3 bases deleted.
Molecular consequence: intron variant. On other transcripts: inframe deletion (1).
Genome position (GRCh38, 1-based): chr9:77,384,662-77,384,664, TGA deleted; deleting any 3 consecutive bases within chr9:77,384,632-77,384,664 gives the same sequence; the position shown is the placement nearest the transcript's 3' end. VCF-style (leftmost placement, unchanged base first): chr9-77384631-GTGA-G. GRCh37 (hg19) VCF-style: chr9-79999547-GTGA-G.
Other names: c.9237TGA[10], p.Asp3089del (NM_015186.4); c.9072+2545TGA[10] (NM_001018037.2); c.9267_9269delTGA (NM_015186.3); short protein forms D3089del.
Identifiers: ClinVar variation 1174706 (VCV001174706.8), dbSNP rs113052866, ClinGen allele CA5093929.

ClinVar aggregate classification (germline): Likely benign. Review status: criteria provided, single submitter (1 of 4 stars). 4 submissions from 4 submitters: Likely benign (1). 3 of the submissions do not count toward it. Last evaluated 2021-08-21.

Conditions:
VPS13A-related disorder. Also called: VPS13A-related condition.

Submissions (4):

GeneDx
Classification: Likely benign. Last evaluated: 2021-08-21. Review status: criteria provided, single submitter. Criteria: GeneDx Variant Classification Process June 2021. Collection method: clinical testing. Allele origin: germline. Affected: yes.

PreventionGenetics, part of Exact Sciences
Classification: Benign for VPS13A-related condition. Last evaluated: 2019-05-03. Review status: no assertion criteria provided. Collection method: clinical testing. Allele origin: germline. Not counted in ClinVar's aggregate classification.
Comment: This variant is classified as benign based on ACMG/AMP sequence variant interpretation guidelines (Richards et al. 2015 PMID: 25741868, with internal and published modifications).

Clinical Genetics DNA and cytogenetics Diagnostics Lab, Erasmus MC, Erasmus Medical Center
Classification: Benign. Review status: no assertion criteria provided. Collection method: clinical testing. Allele origin: germline. Affected: yes. Study: VKGL Data-share Consensus. Not counted in ClinVar's aggregate classification.

Diagnostic Laboratory, Department of Genetics, University Medical Center Groningen
Classification: Benign. Review status: no assertion criteria provided. Collection method: clinical testing. Allele origin: germline. Affected: yes. Study: VKGL Data-share Consensus. Not counted in ClinVar's aggregate classification.